The following is an entry in ClinVar:

ClinVar aggregate classification (germline): Conflicting classifications of pathogenicity. Review status: criteria provided, conflicting classifications (1 of 4 stars). 2 submissions from 2 submitters: Uncertain significance (1); Likely benign (1). Last evaluated 2025-06-01.

Conditions:
Hereditary cancer-predisposing syndrome. Also called: Hereditary Cancer Syndrome; Hereditary neoplastic syndrome; Neoplastic Syndromes, Hereditary; Tumor predisposition. Identifiers: Orphanet 140162, MedGen C0027672, MeSH D009386, MONDO:0015356.

Allele frequency attached by ClinVar (database versions not stated): gnomAD exomes below 0.00001; TOPMed below 0.00001.

Submissions (2):

Labcorp Genetics (formerly Invitae), Labcorp
Classification: Likely benign. Last evaluated: 2025-06-01. Review status: criteria provided, single submitter. Criteria: Invitae Variant Classification Sherloc (09022015). Collection method: clinical testing. Allele origin: germline.

Ambry Genetics
Classification: Uncertain significance for Hereditary cancer-predisposing syndrome. Last evaluated: 2024-12-09. Review status: criteria provided, single submitter. Criteria: Ambry Variant Classification Scheme 2023. Collection method: clinical testing. Allele origin: germline.
Comment: The c.5463C>T variant (also known as p.F1821F), located in coding exon 40 of the POLE gene, results from a C to T substitution at nucleotide position 5463. This nucleotide substitution does not change the amino acid at codon 1821. This nucleotide position is not well conserved in available vertebrate species. In silico splice site analysis predicts that this alteration may result in the creation or strengthening of a novel splice donor site. Based on the available evidence, the clinical significance of this variant remains unclear.

NM_006231.4(POLE):c.5463C>T (p.Phe1821=)

Gene: POLE (DNA polymerase epsilon, catalytic subunit; minus strand). Cytogenetic location: 12q24.33.
Variant type: single nucleotide variant.
Coding change: c.5463C>T on transcript NM_006231.4 (MANE Select); coding-DNA position 5463, C replaced by T.
Protein change: p.Phe1821=; no amino-acid change (phenylalanine 1821 retained).
Molecular consequence: synonymous variant.
Genome position (GRCh38, 1-based): chr12:132,639,214, G>A on the plus strand (C>T on the coding strand, the complement: POLE is on the minus strand). VCF-style: chr12-132639214-G-A. GRCh37 (hg19) VCF-style: chr12-133215800-G-A.
Other names: c.5463C>T (NM_006231.2).
Identifiers: ClinVar variation 753436 (VCV000753436.11), dbSNP rs1593721930, ClinGen allele CA482726400.